The following is an entry in ClinVar:

ClinVar aggregate classification (germline): Uncertain significance. Review status: criteria provided, multiple submitters, no conflicts (2 of 4 stars). 2 submissions from 2 submitters: Uncertain significance (2). Last evaluated 2026-06-16.

Conditions:
Inborn genetic diseases. Identifiers: MedGen C0950123, MeSH D030342.
Deafness-lymphedema-leukemia syndrome. Also called: Lymphedema, primary, with myelodysplasia; Emberger syndrome. Identifiers: Orphanet 3226, MedGen C3279664, MONDO:0013540, OMIM 614038.
Monocytopenia with susceptibility to infections. Also called: MONOCYTOPENIA AND MYCOBACTERIAL INFECTION SYNDROME; MONOCYTOPENIA WITH SUSCEPTIBILITY TO MYCOBACTERIAL, FUNGAL, AND PAPILLOMAVIRUS INFECTIONS AND MYELODYSPLASIA; COMBINED IMMUNODEFICIENCY WITH SUSCEPTIBILITY TO MYCOBACTERIAL, VIRAL, AND FUNGAL INFECTIONS; Dendritic cell, monocyte, B lymphocyte, and natural killer lymphocyte deficiency; GATA2 DEFICIENCY; IMMUNODEFICIENCY 21. Identifiers: Orphanet 228423, MedGen C3280030, MONDO:0013607, OMIM 614172.

Submissions (2):

Ambry Genetics
Classification: Uncertain significance for Inborn genetic diseases. Last evaluated: 2026-06-16. Review status: criteria provided, single submitter. Criteria: Ambry Variant Classification Scheme 2023. Collection method: clinical testing. Allele origin: germline.
Comment: The p.T248I variant (also known as c.743C>T), located in coding exon 2 of the GATA2 gene, results from a C to T substitution at nucleotide position 743. The threonine at codon 248 is replaced by isoleucine, an amino acid with similar properties. This amino acid position is highly conserved in available vertebrate species. In addition, this alteration is predicted to be deleterious by in silico analysis. Based on the available evidence, the clinical significance of this variant remains unclear.

Labcorp Genetics (formerly Invitae), Labcorp
Classification: Uncertain significance for Monocytopenia with susceptibility to infections; Deafness-lymphedema-leukemia syndrome. Last evaluated: 2021-09-10. Review status: criteria provided, single submitter. Criteria: Invitae Variant Classification Sherloc (09022015). Collection method: clinical testing. Allele origin: germline.
Comment: This variant is not present in population databases (ExAC no frequency). This variant has not been reported in the literature in individuals affected with GATA2-related conditions. Algorithms developed to predict the effect of missense changes on protein structure and function are either unavailable or do not agree on the potential impact of this missense change (SIFT: "Tolerated"; PolyPhen-2: "Probably Damaging"; Align-GVGD: "Class C0"). In summary, the available evidence is currently insufficient to determine the role of this variant in disease. Therefore, it has been classified as a Variant of Uncertain Significance. This sequence change replaces threonine with isoleucine at codon 248 of the GATA2 protein (p.Thr248Ile). The threonine residue is moderately conserved and there is a moderate physicochemical difference between threonine and isoleucine.

NM_032638.5(GATA2):c.743C>T (p.Thr248Ile)

Gene: GATA2 (GATA binding protein 2; minus strand). Cytogenetic location: 3q21.3.
Variant type: single nucleotide variant.
Coding change: c.743C>T on transcript NM_032638.5 (MANE Select); coding-DNA position 743, C replaced by T.
Protein change: p.Thr248Ile; replaces threonine 248 with isoleucine.
Molecular consequence: missense variant.
Genome position (GRCh38, 1-based): chr3:128,485,855, G>A on the plus strand (C>T on the coding strand, the complement: GATA2 is on the minus strand). VCF-style: chr3-128485855-G-A. GRCh37 (hg19) VCF-style: chr3-128204698-G-A.
Other names: c.743C>T, p.Thr248Ile (NM_001145661.2, NM_001145662.1); short protein forms T248I.
Identifiers: ClinVar variation 573821 (VCV000573821.7), dbSNP rs1428619448, ClinGen allele CA354406068.
Genomic context (GRCh38, chr3:128,485,855, plus strand): 5'-CCGGGGTGGAAGAGTCCGCTGCTGTAGTCGTGGGCAGCCGCCGGCACATAGGAGGGGTAG[G>A]TGGGGATGGGGTGGTGTGTAGCAGGCTGGGTGCCCATAGTAGCTAGGCCTGGGCGCAGGG-3'
Protein context (NP_116027.2, residues 238-258): TQPATHHPIP[Thr248Ile]YPSYVPAAAH